The following is an entry in ClinVar:

NM_005419.4(STAT2):c.633G>A (p.Lys211=)

Gene: STAT2 (signal transducer and activator of transcription 2; minus strand). Cytogenetic location: 12q13.3.
Variant type: single nucleotide variant.
Coding change: c.633G>A on transcript NM_005419.4 (MANE Select); coding-DNA position 633, G replaced by A.
Protein change: p.Lys211=; no amino-acid change (lysine 211 retained).
Molecular consequence: synonymous variant.
Genome position (GRCh38, 1-based): chr12:56,354,778, C>T on the plus strand (G>A on the coding strand, the complement: STAT2 is on the minus strand). VCF-style: chr12-56354778-C-T. GRCh37 (hg19) VCF-style: chr12-56748562-C-T.
Other names: c.621G>A, p.Lys207= (NM_001385110.1, NM_001385115.1, NM_198332.2); c.633G>A, p.Lys211= (NM_001385111.1, NM_001385113.1, NM_001385114.1).
Identifiers: ClinVar variation 1391830 (VCV001391830.6), dbSNP rs2136084436, ClinGen allele CA480212362.
Genomic context (GRCh38, chr12:56,354,778, plus strand): 5'-CCCACATCCCTCATTTTTCCAGGTCCTTGTTGCCCACATGTTCTGTCCTCTGTCTCCCAC[C>T]TTTCTCCTTTTGTCCAGTTCATTGAGAGTTTCCTGCAGAATCTTCTGCTCTTTGGTCTGA-3'
Protein context (NP_005410.1, residues 201-221): ETLNELDKRR[Lys211=]EVLDASKALL

ClinVar aggregate classification (germline): Uncertain significance (1 of 4 stars; one submission).

Conditions:
Primary immunodeficiency with post-measles-mumps-rubella vaccine viral infection. Also called: Immunodeficiency 44. Identifiers: Orphanet 431166, MedGen C4225260, MONDO:0014715, OMIM 616636.

Submission:

Labcorp Genetics (formerly Invitae), Labcorp
Classification: Uncertain significance for Primary immunodeficiency with post-measles-mumps-rubella vaccine viral infection. Last evaluated: 2021-04-29. Review status: criteria provided, single submitter. Criteria: Invitae Variant Classification Sherloc (09022015). Collection method: clinical testing. Allele origin: germline.
Comment: In summary, the available evidence is currently insufficient to determine the role of this variant in disease. Therefore, it has been classified as a Variant of Uncertain Significance. Nucleotide substitutions within the consensus splice site are a relatively common cause of aberrant splicing (PMID: 17576681, 9536098). Algorithms developed to predict the effect of sequence changes on RNA splicing suggest that this variant may disrupt the consensus splice site, but this prediction has not been confirmed by published transcriptional studies. This variant has not been reported in the literature in individuals with STAT2-related conditions. This variant is not present in population databases (ExAC no frequency). This sequence change affects codon 211 of the STAT2 mRNA. It is a 'silent' change, meaning that it does not change the encoded amino acid sequence of the STAT2 protein. This variant also falls at the last nucleotide of exon 7, which is part of the consensus splice site for this exon.

Literature cited by the submitters: PubMed 17576681; PubMed 9536098.